The following is an entry in ClinVar:

NM_001330078.2(NRXN1):c.1154C>T (p.Ala385Val)

Gene: NRXN1 (neurexin 1; minus strand). Cytogenetic location: 2p16.3.
Variant type: single nucleotide variant.
Coding change: c.1154C>T on transcript NM_001330078.2 (MANE Select); coding-DNA position 1154, C replaced by T.
Protein change: p.Ala385Val; replaces alanine 385 with valine.
Molecular consequence: missense variant. On other transcripts: intron variant (6).
Genome position (GRCh38, 1-based): chr2:50,621,230, G>A on the plus strand (C>T on the coding strand, the complement: NRXN1 is on the minus strand). VCF-style: chr2-50621230-G-A. GRCh37 (hg19) VCF-style: chr2-50848368-G-A.
Other names: c.1253C>T, p.Ala418Val (NM_001135659.3); c.1094C>T, p.Ala365Val (NM_001330083.2, NM_001330084.2); c.1154C>T, p.Ala385Val (NM_001330085.2, NM_001330086.2, NM_004801.6); c.1151C>T, p.Ala384Val (NM_001330093.2); c.1142C>T, p.Ala381Val (NM_001330094.2); c.1075-1047C>T (NM_001330096.2, NM_001330087.2); c.1105-1047C>T (NM_001330088.2); c.1135-1047C>T (NM_001330095.2, NM_001330082.2, NM_001330077.2); short protein forms A365V, A381V, A384V, A385V, A418V.
Identifiers: ClinVar variation 1699647 (VCV001699647.2), dbSNP rs2104260596, ClinGen allele CA346821998.

ClinVar aggregate classification (germline): Uncertain significance (1 of 4 stars; one submission).

Submission:

GeneDx
Classification: Uncertain significance. Last evaluated: 2022-01-31. Review status: criteria provided, single submitter. Criteria: GeneDx Variant Classification Process June 2021. Collection method: clinical testing. Allele origin: germline. Affected: yes.
Comment: Not observed at significant frequency in large population cohorts (gnomAD); In silico analysis supports that this missense variant does not alter protein structure/function; Has not been previously published as pathogenic or benign to our knowledge